The following is an entry in ClinVar:

NM_006767.4(LZTR1):c.2359G>C (p.Asp787His)

Gene: LZTR1 (leucine zipper like post translational regulator 1; plus strand). Cytogenetic location: 22q11.21.
Variant type: single nucleotide variant.
Coding change: c.2359G>C on transcript NM_006767.4 (MANE Select); coding-DNA position 2359, G replaced by C.
Protein change: p.Asp787His; replaces aspartic acid 787 with histidine.
Molecular consequence: missense variant.
Genome position (GRCh38, 1-based): chr22:20,996,919, G>C. VCF-style: chr22-20996919-G-C. GRCh37 (hg19) VCF-style: chr22-21351208-G-C.
Other names: c.2359G>C (NM_006767.3); short protein forms D787H.
Identifiers: ClinVar variation 2725262 (VCV002725262.5), dbSNP rs2147970548, ClinGen allele CA410781039.
Genomic context (GRCh38, chr22:20,996,919, plus strand): 5'-AGCGCCTCAAGGTCCCTGCCATTGCAGATCCTGGAGGCAGCTGACAAAACGCAGGCACTG[G>C]ACATGAAGCGGCACTGCCTGCACATCATTGTGCACCAGTTCACCAAGGTCAGGGCTCTGG-3'
Protein context (NP_006758.2, residues 777-797): LEAADKTQAL[Asp787His]MKRHCLHIIV

ClinVar aggregate classification (germline): Uncertain significance. Review status: criteria provided, multiple submitters, no conflicts (2 of 4 stars). 2 submissions from 2 submitters: Uncertain significance (2). Last evaluated 2025-11-21.

Conditions:
Cardiovascular phenotype. Identifiers: MedGen CN230736.
Hereditary cancer-predisposing syndrome. Also called: Neoplastic Syndromes, Hereditary; Tumor predisposition; Hereditary neoplastic syndrome; Hereditary Cancer Syndrome. Identifiers: Orphanet 140162, MedGen C0027672, MeSH D009386, MONDO:0015356.

Allele frequency attached by ClinVar (database versions not stated): gnomAD exomes below 0.00001.
gnomAD v4.1: 1 of 1,613,266 alleles (0.000062%); highest among the groups gnomAD compares: Non-Finnish European, 0.000085%; no homozygotes.

Submissions (2):

Labcorp Genetics (formerly Invitae), Labcorp
Classification: Uncertain significance. Last evaluated: 2025-11-21. Review status: criteria provided, single submitter. Criteria: Invitae Variant Classification Sherloc (09022015). Collection method: clinical testing. Allele origin: germline.
Comment: This sequence change replaces aspartic acid, which is acidic and polar, with histidine, which is basic and polar, at codon 787 of the LZTR1 protein (p.Asp787His). This variant is not present in population databases (gnomAD no frequency). This variant has not been reported in the literature in individuals affected with LZTR1-related conditions. ClinVar contains an entry for this variant (Variation ID: 2725262). Invitae Evidence Modeling of protein sequence and biophysical properties (such as structural, functional, and spatial information, amino acid conservation, physicochemical variation, residue mobility, and thermodynamic stability) indicates that this missense variant is not expected to disrupt LZTR1 protein function with a negative predictive value of 80%. In summary, the available evidence is currently insufficient to determine the role of this variant in disease. Therefore, it has been classified as a Variant of Uncertain Significance.

Ambry Genetics
Classification: Uncertain significance for Cardiovascular phenotype; Hereditary cancer-predisposing syndrome. Last evaluated: 2025-09-20. Review status: criteria provided, single submitter. Criteria: Ambry Variant Classification Scheme 2023. Collection method: clinical testing. Allele origin: germline.
Comment: The p.D787H variant (also known as c.2359G>C), located in coding exon 20 of the LZTR1 gene, results from a G to C substitution at nucleotide position 2359. The aspartic acid at codon 787 is replaced by histidine, an amino acid with similar properties. This amino acid position is conserved. In addition, this alteration is predicted to be deleterious by in silico analysis. Based on the available evidence, the clinical significance of this variant remains unclear.